The following is an entry in ClinVar:

NM_033028.5(BBS4):c.276_277del (p.Ala94fs)

Gene: BBS4 (Bardet-Biedl syndrome 4; plus strand). Cytogenetic location: 15q24.1.
Variant type: Deletion.
Coding change: c.276_277del on transcript NM_033028.5 (MANE Select); coding-DNA positions 276 to 277, 2 bases deleted (AT; older notation c.276_277delAT).
Protein change: p.Ala94fs; shifts the reading frame from alanine 94.
Molecular consequence: frameshift variant. On other transcripts: 5 prime UTR variant (1), non-coding transcript variant (2).
Genome position (GRCh38, 1-based): chr15:72,715,346-72,715,347, AT deleted. VCF-style (leftmost placement, unchanged base first): chr15-72715345-CAT-C. GRCh37 (hg19) VCF-style: chr15-73007686-CAT-C.
Other names: c.-246_-245del (NM_001252678.2); c.276_277del, p.Ala94fs (NM_001320665.2); short protein forms A94fs.
Identifiers: ClinVar variation 2680052 (VCV002680052.4), dbSNP rs2065449114, ClinGen allele CA2186896414.
Genomic context (GRCh38, chr15:72,715,345, plus strand): 5'-TGGCAGCATTGATATTTCGCCTAGAAGGAAATATCCAAGAATCCCTAGAACTCTTCCAGA[CAT>C]GTGCAGTTCTTAGTCCTCAGAGTGCTGATAACCTCAAGCAGGTGGCCAGATCTTTGTGAG-3'

ClinVar aggregate classification (germline): Pathogenic/Likely pathogenic. Review status: criteria provided, multiple submitters, no conflicts (2 of 4 stars). 2 submissions from 2 submitters: Pathogenic (1); Likely pathogenic (1). Last evaluated 2026-01-12.

Conditions:
Bardet-Biedl syndrome (BBS). Identifiers: Orphanet 110, MedGen C0752166, MONDO:0015229.
Bardet-Biedl syndrome 4 (BBS4). Identifiers: Orphanet 110, MedGen C2936864, MONDO:0014433, OMIM 615982.

Allele frequency attached by ClinVar (database versions not stated): TOPMed below 0.00001; gnomAD exomes 0.00001.

Submissions (2):

Labcorp Genetics (formerly Invitae), Labcorp
Classification: Pathogenic for Bardet-Biedl syndrome. Last evaluated: 2026-01-12. Review status: criteria provided, single submitter. Criteria: Invitae Variant Classification Sherloc (09022015). Collection method: clinical testing. Allele origin: germline.
Comment: This sequence change creates a premature translational stop signal (p.Ala94Serfs*3) in the BBS4 gene. It is expected to result in an absent or disrupted protein product. Loss-of-function variants in BBS4 are known to be pathogenic (PMID: 11381270, 12016587, 20177705, 26355662, 27894351). This variant is not present in population databases (gnomAD no frequency). This variant has not been reported in the literature in individuals affected with BBS4-related conditions. ClinVar contains an entry for this variant (Variation ID: 2680052). Algorithms developed to predict the effect of sequence changes on RNA splicing suggest that this variant may disrupt the consensus splice site. For these reasons, this variant has been classified as Pathogenic.

Baylor Genetics
Classification: Likely pathogenic for Bardet-Biedl syndrome 4. Last evaluated: 2023-01-09. Review status: criteria provided, single submitter. Criteria: ACMG Guidelines, 2015. Collection method: clinical testing. Allele origin: unknown.

Literature cited by the submitters: PubMed 11381270 (cited by Labcorp Genetics (formerly Invitae), Labcorp); PubMed 12016587 (cited by Labcorp Genetics (formerly Invitae), Labcorp); PubMed 20177705 (cited by Labcorp Genetics (formerly Invitae), Labcorp); PubMed 26355662 (cited by Labcorp Genetics (formerly Invitae), Labcorp); PubMed 27894351 (cited by Labcorp Genetics (formerly Invitae), Labcorp).